The following is an entry in ClinVar:

NM_002474.3(MYH11):c.4993C>T (p.Arg1665Cys)

Genes: MYH11 (myosin heavy chain 11; minus strand), NDE1 (nudE neurodevelopment protein 1; plus strand). Cytogenetic location: 16p13.11.
Variant type: single nucleotide variant.
Coding change: c.4993C>T on transcript NM_002474.3 (MANE Select); coding-DNA position 4993, C replaced by T.
Protein change: p.Arg1665Cys; replaces arginine 1665 with cysteine.
Molecular consequence: missense variant. On other transcripts: intron variant (2).
Genome position (GRCh38, 1-based): chr16:15,719,674, G>A on the plus strand (C>T on the coding strand, the complement: MYH11 is on the minus strand). VCF-style: chr16-15719674-G-A. GRCh37 (hg19) VCF-style: chr16-15813531-G-A.
Other names: c.5014C>T, p.Arg1672Cys (NM_001040113.2, NM_001040114.2); c.4993C>T, p.Arg1665Cys (NM_022844.3); c.948-4517G>A (NM_001143979.2, NM_017668.3); short protein forms R1672C, R1665C.
Identifiers: ClinVar variation 405480 (VCV000405480.16), dbSNP rs768569707, ClinGen allele CA7921473.

ClinVar aggregate classification (germline): Uncertain significance. Review status: criteria provided, multiple submitters, no conflicts (2 of 4 stars). 6 submissions from 6 submitters: Uncertain significance (6). Last evaluated 2026-01-24.

Conditions:
Familial thoracic aortic aneurysm and aortic dissection (TAAD). Also called: Thoracic aortic aneurysms and dissections. Identifiers: Orphanet 91387, MedGen C4707243, MONDO:0019625.
Aortic aneurysm, familial thoracic 4 (AAT4). Also called: AORTIC ANEURYSM/AORTIC DISSECTION AND PATENT DUCTUS ARTERIOSUS. Identifiers: MedGen C1851504, MONDO:0007568, OMIM 132900.

Allele frequency attached by ClinVar (database versions not stated): TOPMed below 0.00001; gnomAD 0.00002; gnomAD exomes 0.00004 and 0.00005; ExAC 0.00007.
gnomAD v4.1: 71 of 1,614,018 alleles (0.0044%); highest among the groups gnomAD compares: East Asian, 0.0045%; no homozygotes.

Submissions (6):

Labcorp Genetics (formerly Invitae), Labcorp
Classification: Uncertain significance for Aortic aneurysm, familial thoracic 4. Last evaluated: 2026-01-24. Review status: criteria provided, single submitter. Criteria: Invitae Variant Classification Sherloc (09022015). Collection method: clinical testing. Allele origin: germline.
Comment: This sequence change replaces arginine, which is basic and polar, with cysteine, which is neutral and slightly polar, at codon 1672 of the MYH11 protein (p.Arg1672Cys). This variant is present in population databases (rs768569707, gnomAD 0.009%). This missense change has been observed in individual(s) with left ventricular noncompaction (PMID: 32600061). ClinVar contains an entry for this variant (Variation ID: 405480). Invitae Evidence Modeling of protein sequence and biophysical properties (such as structural, functional, and spatial information, amino acid conservation, physicochemical variation, residue mobility, and thermodynamic stability) indicates that this missense variant is not expected to disrupt MYH11 protein function with a negative predictive value of 95%. In summary, the available evidence is currently insufficient to determine the role of this variant in disease. Therefore, it has been classified as a Variant of Uncertain Significance.

Ambry Genetics
Classification: Uncertain significance for Familial thoracic aortic aneurysm and aortic dissection. Last evaluated: 2025-11-06. Review status: criteria provided, single submitter. Criteria: Ambry Variant Classification Scheme 2023. Collection method: clinical testing. Allele origin: germline.
Comment: The p.R1665C variant (also known as c.4993C>T), located in coding exon 34 of the MYH11 gene, results from a C to T substitution at nucleotide position 4993. The arginine at codon 1665 is replaced by cysteine, an amino acid with highly dissimilar properties. This variant was reported in individual(s) with features consistent with aortic aneurysm (Goncharova IA et al. Int J Mol Sci, 2024 Jul;25). This amino acid position is well conserved in available vertebrate species. In addition, the in silico prediction for this alteration is inconclusive. Based on the available evidence, the clinical significance of this variant remains unclear.

Color Diagnostics, LLC DBA Color Health
Classification: Uncertain significance for Familial thoracic aortic aneurysm and aortic dissection. Last evaluated: 2025-07-29. Review status: criteria provided, single submitter. Criteria: ACMG Guidelines, 2015. Collection method: clinical testing. Allele origin: germline.
Comment: This missense variant replaces arginine with cysteine at codon 1672 of the MYH11 protein. Computational prediction is inconclusive regarding the impact of this variant on protein structure and function. To our knowledge, functional studies have not been reported for this variant. This variant has been reported in an individual affected with nonsyndromic sporadic thoracic aortic aneurysm (PMID: 39125885) and in an individual affected with left ventricular noncompaction (PMID: 32600061). This variant has been identified in 13/251482 chromosomes in the general population by the Genome Aggregation Database (gnomAD). The available evidence is insufficient to determine the role of this variant in disease conclusively. Therefore, this variant is classified as a Variant of Uncertain Significance.

All of Us Research Program, National Institutes of Health
Classification: Uncertain significance for Familial thoracic aortic aneurysm and aortic dissection. Last evaluated: 2023-11-28. Review status: criteria provided, single submitter. Criteria: ACMG Guidelines, 2015. Collection method: clinical testing. Allele origin: germline. Inheritance: Autosomal dominant inheritance. Observed: 5 variant alleles, 5 heterozygotes.
Comment: This missense variant replaces arginine with cysteine at codon 1672 of the MYH11 protein. Computational prediction is inconclusive regarding the impact of this variant on protein structure and function (internally defined REVEL score threshold 0.5 < inconclusive < 0.7, PMID: 27666373). To our knowledge, functional studies have not been reported for this variant. This variant has been reported in an individual affected with left ventricular noncompaction (PMID: 32600061). This variant has been identified in 13/251482 chromosomes in the general population by the Genome Aggregation Database (gnomAD). The available evidence is insufficient to determine the role of this variant in disease conclusively. Therefore, this variant is classified as a Variant of Uncertain Significance.

This study involves interpretation of variants in research participants for the purpose of population health screening. Participant phenotype was not available at the time of variant classification. Additional details can be found in publication PMID: 35346344, PMCID: PMC8962531

CHEO Genetics Diagnostic Laboratory, Children's Hospital of Eastern Ontario
Classification: Uncertain significance for Familial thoracic aortic aneurysm and aortic dissection. Last evaluated: 2019-12-23. Review status: criteria provided, single submitter. Criteria: ACMG Guidelines, 2015. Collection method: clinical testing. Allele origin: germline. Study: Canadian Open Genetics Repository.

GeneDx
Classification: Uncertain significance. Last evaluated: 2019-08-20. Review status: criteria provided, single submitter. Criteria: GeneDx Variant Classification Process June 2021. Collection method: clinical testing. Allele origin: germline. Affected: yes.
Comment: Has not been previously published as pathogenic or benign to our knowledge; In silico analysis, which includes protein predictors and evolutionary conservation, supports a deleterious effect; Reported in ClinVar but additional evidence is not available (ClinVar Variant ID# 405480; Landrum et al., 2016); This variant is associated with the following publications: (PMID: 32600061)

Literature cited by the submitters: PubMed 32600061 (cited by 3 submitters); PubMed 39125885 (cited by Ambry Genetics and Color Diagnostics, LLC DBA Color Health).